The following is an entry in ClinVar:

ClinVar aggregate classification (germline): Likely pathogenic (1 of 4 stars; one submission).

Conditions:
Carnitine palmitoyl transferase 1A deficiency. Also called: Carnitine palmitoyltransferase 1A deficiency; Carnitine palmitoyltransferase type I deficiency; CPT deficiency, hepatic, type IA; CPT I DEFICIENCY; CPT DEFICIENCY, HEPATIC, TYPE I. Identifiers: Orphanet 156, MedGen C1829703, MONDO:0009705, OMIM 255120.

Submission:

Natera, Inc.
Classification: Likely pathogenic for Carnitine palmitoyltransferase type I deficiency. Last evaluated: 2024-06-21. Review status: criteria provided, single submitter. Criteria: Natera Variant Classification Schema (03/2026). Collection method: clinical testing. Allele origin: germline.
Comment: The c.1363A>T variant in CPT1A is a nonsense variant predicted to introduce a stop codon at amino acid 455. This variant is expected to result in nonsense mediated decay, truncation, or a dysfunctional protein product. This variant is rare in the general population with a frequency below the threshold expected for the associated phenotype(s). Given the available evidence, this variant is classified as Likely Pathogenic.

NM_001876.4(CPT1A):c.1363A>T (p.Lys455Ter)

Gene: CPT1A (carnitine palmitoyltransferase 1A; minus strand). Cytogenetic location: 11q13.3.
Variant type: single nucleotide variant.
Coding change: c.1363A>T on transcript NM_001876.4 (MANE Select); coding-DNA position 1363, A replaced by T.
Protein change: p.Lys455Ter; replaces lysine 455 with a stop codon.
Molecular consequence: nonsense.
Genome position (GRCh38, 1-based): chr11:68,780,735, T>A on the plus strand (A>T on the coding strand, the complement: CPT1A is on the minus strand). VCF-style: chr11-68780735-T-A. GRCh37 (hg19) VCF-style: chr11-68548203-T-A.
Other names: c.1363A>T, p.Lys455Ter (NM_001031847.3, NM_001440358.1, NM_001440359.1 and 3 more transcripts); c.1255A>T, p.Lys419Ter (NM_001440363.1); c.1177A>T, p.Lys393Ter (NM_001440365.1); short protein forms K393*, K419*, K455*.
Identifiers: ClinVar variation 4814971 (VCV004814971.2).